The following is an entry in ClinVar:

ClinVar aggregate classification (germline): Uncertain significance. Review status: criteria provided, multiple submitters, no conflicts (2 of 4 stars). 2 submissions from 2 submitters: Uncertain significance (2). Last evaluated 2026-01-24.

Allele frequency attached by ClinVar (database versions not stated): gnomAD 0.00005 and 0.00006; TOPMed 0.00005; ExAC 0.00019; 1000 Genomes Project 30x 0.00031; 1000 Genomes Project 0.00040.
gnomAD v4.1: 95 of 1,613,988 alleles (0.0059%); highest among the groups gnomAD compares: Middle Eastern, 0.033%; no homozygotes.

Submissions (2):

Labcorp Genetics (formerly Invitae), Labcorp
Classification: Uncertain significance. Last evaluated: 2026-01-24. Review status: criteria provided, single submitter. Criteria: Invitae Variant Classification Sherloc (09022015). Collection method: clinical testing. Allele origin: germline.
Comment: This sequence change replaces tyrosine, which is neutral and polar, with cysteine, which is neutral and slightly polar, at codon 502 of the ARHGEF1 protein (p.Tyr502Cys). This variant is present in population databases (rs548776443, gnomAD 0.03%). This variant has not been reported in the literature in individuals affected with ARHGEF1-related conditions. ClinVar contains an entry for this variant (Variation ID: 1448389). An algorithm developed to predict the effect of missense changes on protein structure and function outputs the following: PolyPhen-2: "Benign". The cysteine amino acid residue is found in multiple mammalian species, which suggests that this missense change does not adversely affect protein function. In summary, the available evidence is currently insufficient to determine the role of this variant in disease. Therefore, it has been classified as a Variant of Uncertain Significance.

Blueprint Genetics
Classification: Uncertain significance. Last evaluated: 2024-08-19. Review status: criteria provided, single submitter. Criteria: ACMG Guidelines, 2015. Collection method: clinical testing. Allele origin: germline.

NM_004706.4(ARHGEF1):c.1460A>G (p.Tyr487Cys)

Gene: ARHGEF1 (Rho guanine nucleotide exchange factor 1; plus strand). Cytogenetic location: 19q13.2.
Variant type: single nucleotide variant.
Coding change: c.1460A>G on transcript NM_004706.4 (MANE Select); coding-DNA position 1460, A replaced by G.
Protein change: p.Tyr487Cys; replaces tyrosine 487 with cysteine.
Molecular consequence: missense variant.
Genome position (GRCh38, 1-based): chr19:41,902,319, A>G. VCF-style: chr19-41902319-A-G. GRCh37 (hg19) VCF-style: chr19-42406469-A-G.
Other names: c.1361A>G, p.Tyr454Cys (NM_198977.2); c.1505A>G, p.Tyr502Cys (NM_199002.2); short protein forms Y487C, Y502C, Y454C.
Identifiers: ClinVar variation 1448389 (VCV001448389.10), dbSNP rs548776443, ClinGen allele CA9466378.